The following is an entry in ClinVar:

ClinVar aggregate classification (germline): Uncertain significance. Review status: criteria provided, multiple submitters, no conflicts (2 of 4 stars). 2 submissions from 2 submitters: Uncertain significance (2). Last evaluated 2024-04-20.

Submissions (2):

GeneDx
Classification: Uncertain significance. Last evaluated: 2024-04-20. Review status: criteria provided, single submitter. Criteria: GeneDx Variant Classification Process June 2021. Collection method: clinical testing. Allele origin: germline. Affected: yes.
Comment: Frameshift variant predicted to result in protein truncation or nonsense mediated decay in a gene or region of a gene for which loss of function is not a well-established mechanism of disease; Not observed at significant frequency in large population cohorts (gnomAD); Has not been previously published as pathogenic or benign to our knowledge

Revvity Omics, Revvity
Classification: Uncertain significance. Last evaluated: 2019-08-30. Review status: criteria provided, single submitter. Criteria: ACMG Guidelines, 2015. Collection method: clinical testing. Allele origin: germline.

NM_018896.5(CACNA1G):c.6040_6043del (p.Leu2014fs)

Gene: CACNA1G (calcium voltage-gated channel subunit alpha1 G; plus strand). Cytogenetic location: 17q21.33.
Variant type: Microsatellite.
Coding change: c.6040_6043del on transcript NM_018896.5 (MANE Select); coding-DNA positions 6040 to 6043, 4 bases deleted (CTTA; older notation c.6040_6043delCTTA).
Protein change: p.Leu2014fs; shifts the reading frame from leucine 2014.
Molecular consequence: frameshift variant. On other transcripts: intron variant (24).
Genome position (GRCh38, 1-based): chr17:50,621,774-50,621,777, CTTA deleted; deleting any 4 consecutive bases within chr17:50,621,770-50,621,777 gives the same sequence; the c. name uses the placement nearest the transcript's 3' end. VCF-style (leftmost placement, unchanged base first): chr17-50621769-TCTTA-T. GRCh37 (hg19) VCF-style: chr17-48699130-TCTTA-T.
Other names: c.6007_6010del, p.Leu2003fs (NM_198377.3); c.5827_5830del, p.Leu1943fs (NM_198383.3); c.5938_5941del, p.Leu1980fs (NM_198396.3); c.5803-2133_5803-2130del (NM_001256325.2); c.5892+1948_5892+1951del (NM_198380.3); c.5749-2133_5749-2130del (NM_198378.3, NM_001256334.2); c.5925+1948_5925+1951del (NM_198385.3); c.5782-2133_5782-2130del (NM_198384.3, NM_001256333.2); and 15 more; short protein forms L1943fs, L1980fs, L2003fs, L2014fs.
Identifiers: ClinVar variation 2439672 (VCV002439672.4), dbSNP rs1336383362, ClinGen allele CA626510579.